The following is an entry in ClinVar:

NM_024996.7(GFM1):c.703T>A (p.Tyr235Asn)

Gene: GFM1 (G elongation factor mitochondrial 1; plus strand). Cytogenetic location: 3q25.32.
Variant type: single nucleotide variant.
Coding change: c.703T>A on transcript NM_024996.7 (MANE Select); coding-DNA position 703, T replaced by A.
Protein change: p.Tyr235Asn; replaces tyrosine 235 with asparagine.
Molecular consequence: missense variant. On other transcripts: non-coding transcript variant (4).
Genome position (GRCh38, 1-based): chr3:158,652,109, T>A. VCF-style: chr3-158652109-T-A. GRCh37 (hg19) VCF-style: chr3-158369898-T-A.
Other names: c.760T>A, p.Tyr254Asn (NM_001308164.2, NM_001374355.1); c.703T>A, p.Tyr235Asn (NM_001308166.2); c.586T>A, p.Tyr196Asn (NM_001374356.1); c.478T>A, p.Tyr160Asn (NM_001374357.1); c.244T>A, p.Tyr82Asn (NM_001374358.1); c.136T>A, p.Tyr46Asn (NM_001374359.1, NM_001374360.1); c.19T>A, p.Tyr7Asn (NM_001374361.1); c.703T>A (NM_024996.5); short protein forms Y235N, Y254N, Y7N, Y160N, Y196N, Y46N, Y82N.
Identifiers: ClinVar variation 2174420 (VCV002174420.2), dbSNP rs760959060, ClinGen allele CA2682406.
Genomic context (GRCh38, chr3:158,652,109, plus strand): 5'-ATATTAAGTTGAATATCCTTAAAGCACCAAAATATTTGCTTTCTTAGTCAGATTGTTCGA[T>A]ATGGTGAGATTCCAGCTGAATTAAGGGCGGCGGCCACTGACCACCGGCAGGAGCTAATTG-3'
Protein context (NP_079272.4, residues 225-245): FDGDFGQIVR[Tyr235Asn]GEIPAELRAA

ClinVar aggregate classification (germline): Uncertain significance. Review status: criteria provided, multiple submitters, no conflicts (2 of 4 stars). 2 submissions from 2 submitters: Uncertain significance (2). Last evaluated 2024-08-28.

Conditions:
Inborn genetic diseases. Identifiers: MedGen C0950123, MeSH D030342.

Allele frequency attached by ClinVar (database versions not stated): ExAC 0.00002; gnomAD 0.00003; TOPMed 0.00003; gnomAD exomes 0.00007.
gnomAD v4.1: 96 of 1,614,018 alleles (0.0059%); highest among the groups gnomAD compares: Non-Finnish European, 0.0081%; no homozygotes.

Submissions (2):

Ambry Genetics
Classification: Uncertain significance for Inborn genetic diseases. Last evaluated: 2024-08-28. Review status: criteria provided, single submitter. Criteria: Ambry Variant Classification Scheme 2023. Collection method: clinical testing. Allele origin: germline.

Labcorp Genetics (formerly Invitae), Labcorp
Classification: Uncertain significance. Last evaluated: 2022-05-31. Review status: criteria provided, single submitter. Criteria: Invitae Variant Classification Sherloc (09022015). Collection method: clinical testing. Allele origin: germline.
Comment: This sequence change replaces tyrosine, which is neutral and polar, with asparagine, which is neutral and polar, at codon 235 of the GFM1 protein (p.Tyr235Asn). This variant is present in population databases (rs760959060, gnomAD 0.004%). This variant has not been reported in the literature in individuals affected with GFM1-related conditions. Advanced modeling of protein sequence and biophysical properties (such as structural, functional, and spatial information, amino acid conservation, physicochemical variation, residue mobility, and thermodynamic stability) performed at Invitae indicates that this missense variant is not expected to disrupt GFM1 protein function. In summary, the available evidence is currently insufficient to determine the role of this variant in disease. Therefore, it has been classified as a Variant of Uncertain Significance.